The following is an entry in ClinVar:

NC_000011.10:g.2000390A>C

Genes: H19 (H19 imprinted maternally expressed transcript; minus strand), H19-ICR (H19/IGF2 imprinting control region; plus strand), MRPL23 (mitochondrial ribosomal protein L23; plus strand). Cytogenetic location: 11p15.5.
Variant type: single nucleotide variant.
Molecular consequence: intron variant (on NM_001400176.1).
Genome position: GRCh38 VCF-style: chr11-2000390-A-C. GRCh37 (hg19) VCF-style: chr11-2021620-A-C.
Other names: c.498-11151A>C (NM_001400176.1).
Identifiers: ClinVar variation 3356165 (VCV003356165.1).

ClinVar aggregate classification (germline): Uncertain significance (0 of 4 stars; one submission).

Conditions:
H19-related disorder. Also called: H19-related condition.

Submission:

PreventionGenetics, part of Exact Sciences
Classification: Uncertain significance for H19-related condition. Last evaluated: 2024-08-08. Review status: no assertion criteria provided. Collection method: clinical testing. Allele origin: germline.
Comment: The H19 n.-2515T>G variant is predicted to interfere with splicing. This variant resides in the 5' promoter of H19. To our knowledge, this variant has not been reported in the literature or in a large population database, indicating it is rare. H19 promoter variants have been associated with Silver-Russel syndrome and Beckwith-Wiedemann syndrome (see for example, Demars et al. 2010. PubMed ID: 20007505); however, no examples have been reported in the immediate vicinity of this variant. At this time, the clinical significance of this variant is uncertain due to the absence of conclusive functional and genetic evidence.